The following continues an entry in ClinVar:

NM_017739.4(POMGNT1):c.1324C>T (p.Arg442Cys)

ClinVar aggregate classification (germline): Pathogenic/Likely pathogenic. Pathogenic (8); Likely pathogenic (4).

Submissions 9 to 17 of 17:

GeneDx
Classification: Pathogenic. Last evaluated: 2017-05-11. Review status: criteria provided, single submitter. Criteria: GeneDx Variant Classification (06012015). Collection method: clinical testing. Allele origin: germline. Affected: yes.
Comment: p.Arg442Cys (CGT>TGT): c.1324 C>T in exon 16 in the POMGNT1 gene (NM_017739.3). The R442C mutation in the POMGNT1 gene has been reported previously in mutiple individuals including 3 children with muscle-eye-brain disease (MEB), as well as two siblings with MEB and clinical features that included congenital hypotonia, global developmental delay, intellectual disability, early-onset glaucoma, and MRI findings characteristic of MEB (Hehr et al., 2007; Vervoort et al., 2004). Functional studies demonstrated complete loss of enzyme activity resulting from the R442C mutation in POMGNT1 (Voglmeir et al., 2011). The R442C mutation was not observed in approximately 6500 individuals of European and African American ancestry in the NHLBI Exome Sequencing Project, indicating it is not a common benign variant in these populations. The R442C mutation is a non-conservative amino acid substitution, which is likely to impact secondary protein structure as these residues differ in polarity, charge, size and/or other properties. This substitution occurs at a position that is conserved across species. In silico analysis predicts this mutation is probably damaging to the protein structure/function. Missense mutations at the same and a nearby residue (R442L, R442H, L440R) have been reported in association with muscle-eye-brain disease, supporting the functional importance of this region of the protein. We interpret R442C as a disease-causing mutation. The variant is found in POMGNT1 panel(s).

Center for Pediatric Genomic Medicine, Children's Mercy Hospital and Clinics
Classification: Pathogenic. Last evaluated: 2015-12-21. Review status: criteria provided, single submitter. Criteria: ACMG Guidelines, 2015. Collection method: clinical testing. Allele origin: germline.

Eurofins Ntd Llc (ga)
Classification: Pathogenic. Last evaluated: 2015-08-21. Review status: criteria provided, single submitter. Criteria: EGL Classification Definitions 2015. Collection method: clinical testing. Allele origin: germline. Observed: 1 variant allele, 1 heterozygote.

Baylor Genetics
Classification: Pathogenic for Muscular dystrophy-dystroglycanopathy (congenital with brain and eye anomalies), type A3. Review status: criteria provided, single submitter. Criteria: ACMG Guidelines, 2015. Collection method: clinical testing. Allele origin: germline.

Counsyl
Classification: Likely pathogenic for Muscular dystrophy-dystroglycanopathy (congenital with brain and eye anomalies), type A3. Last evaluated: 2018-10-19. Review status: no assertion criteria provided. Collection method: clinical testing. Allele origin: unknown. Not counted in ClinVar's aggregate classification.

Counsyl
Classification: Likely pathogenic for Muscular dystrophy-dystroglycanopathy (congenital with impaired intellectual development), type B, 3. Last evaluated: 2018-10-19. Review status: no assertion criteria provided. Collection method: clinical testing. Allele origin: unknown. Not counted in ClinVar's aggregate classification.

Counsyl
Classification: Likely pathogenic for Autosomal recessive limb-girdle muscular dystrophy type 2O. Last evaluated: 2018-10-19. Review status: no assertion criteria provided. Collection method: clinical testing. Allele origin: unknown. Not counted in ClinVar's aggregate classification.

Counsyl
Classification: Likely pathogenic for Retinitis pigmentosa 76. Last evaluated: 2018-10-19. Review status: no assertion criteria provided. Collection method: clinical testing. Allele origin: unknown. Not counted in ClinVar's aggregate classification.

OMIM
Classification: Pathogenic for MUSCULAR DYSTROPHY-DYSTROGLYCANOPATHY (CONGENITAL WITH BRAIN AND EYE ANOMALIES), TYPE A, 3. Last evaluated: 2004-07-01. Review status: no assertion criteria provided. Collection method: literature only. Allele origin: germline. Not counted in ClinVar's aggregate classification.

Literature cited by the submitters: PubMed 25390965 (cited by 3 submitters); PubMed 17906881 (cited by 5 submitters); PubMed 15236414 (cited by 6 submitters); PubMed 21361872 (cited by 5 submitters); PubMed 31589614 (cited by Institute of Human Genetics, Univ. Regensburg, Univ. Regensburg); PubMed 31964843 (cited by Institute of Human Genetics, Univ. Regensburg, Univ. Regensburg); PubMed 16427280 (cited by Athena Diagnostics).